The following is an entry in ClinVar:

ClinVar aggregate classification (germline): Uncertain significance. Review status: criteria provided, multiple submitters, no conflicts (2 of 4 stars). 2 submissions from 2 submitters: Uncertain significance (2). Last evaluated 2025-03-05.

Conditions:
Inborn genetic diseases. Identifiers: MedGen C0950123, MeSH D030342.

Allele frequency attached by ClinVar (database versions not stated): TOPMed below 0.00001; gnomAD 0.00001; gnomAD exomes 0.00001.
gnomAD v4.1: 9 of 1,613,406 alleles (0.00056%); highest among the groups gnomAD compares: Middle Eastern, 0.016%; no homozygotes.

Submissions (2):

Ambry Genetics
Classification: Uncertain significance for Inborn genetic diseases. Last evaluated: 2025-03-05. Review status: criteria provided, single submitter. Criteria: Ambry Variant Classification Scheme 2023. Collection method: clinical testing. Allele origin: germline.

Labcorp Genetics (formerly Invitae), Labcorp
Classification: Uncertain significance. Last evaluated: 2023-03-24. Review status: criteria provided, single submitter. Criteria: Invitae Variant Classification Sherloc (09022015). Collection method: clinical testing. Allele origin: germline.
Comment: In summary, the available evidence is currently insufficient to determine the role of this variant in disease. Therefore, it has been classified as a Variant of Uncertain Significance. An algorithm developed to predict the effect of missense changes on protein structure and function (PolyPhen-2) suggests that this variant is likely to be disruptive. This variant has not been reported in the literature in individuals affected with WDR11-related conditions. This variant is present in population databases (no rsID available, gnomAD 0.0009%). This sequence change replaces histidine, which is basic and polar, with asparagine, which is neutral and polar, at codon 996 of the WDR11 protein (p.His996Asn).

NM_018117.12(WDR11):c.2986C>A (p.His996Asn)

Gene: WDR11 (WD repeat domain 11; plus strand). Cytogenetic location: 10q26.12.
Variant type: single nucleotide variant.
Coding change: c.2986C>A on transcript NM_018117.12 (MANE Select); coding-DNA position 2986, C replaced by A.
Protein change: p.His996Asn; replaces histidine 996 with asparagine.
Molecular consequence: missense variant.
Genome position (GRCh38, 1-based): chr10:120,904,101, C>A. VCF-style: chr10-120904101-C-A. GRCh37 (hg19) VCF-style: chr10-122663613-C-A.
Other names: c.2986C>A (NM_018117.11); short protein forms H996N.
Identifiers: ClinVar variation 2984668 (VCV002984668.4), dbSNP rs1355939095, ClinGen allele CA378314430.
Genomic context (GRCh38, chr10:120,904,101, plus strand): 5'-TTCTAGAAATTTCAGCTAGAAAGGGTTAATCTGCAGGAAGTGAAACGGTCAACTTATGAT[C>A]ATACAAGGAAATGTACAGACCAGCTACTGCTCTTGGGTCAAGTATGTCAGTTTTTATAAC-3'
Protein context (NP_060587.8, residues 986-1006): LQEVKRSTYD[His996Asn]TRKCTDQLLL